The following is an entry in ClinVar:

ClinVar aggregate classification (germline): Uncertain significance. Review status: criteria provided, single submitter (1 of 4 stars). 3 submissions from 3 submitters: Uncertain significance (1). 2 of the submissions do not count toward it. Last evaluated 2023-07-25.

Conditions:
Dilated cardiomyopathy 1KK (CMD1KK). Identifiers: Orphanet 154, Orphanet 75249, MedGen C3714995, MONDO:0014100, OMIM 615248.

Allele frequency attached by ClinVar (database versions not stated): gnomAD exomes below 0.00001.
gnomAD v4.1: 1 of 1,614,148 alleles (0.000062%); highest among the groups gnomAD compares: Non-Finnish European, 0.000085%; no homozygotes.

Submissions (3):

Labcorp Genetics (formerly Invitae), Labcorp
Classification: Uncertain significance for Dilated cardiomyopathy 1KK. Last evaluated: 2023-07-25. Review status: criteria provided, single submitter. Criteria: Invitae Variant Classification Sherloc (09022015). Collection method: clinical testing. Allele origin: germline.
Comment: This sequence change replaces proline, which is neutral and non-polar, with threonine, which is neutral and polar, at codon 841 of the MYPN protein (p.Pro841Thr). This variant is not present in population databases (gnomAD no frequency). This missense change has been observed in individual(s) with clinical features of hypertrophic cardiomyopathy (PMID: 22286171). ClinVar contains an entry for this variant (Variation ID: 31817). An algorithm developed to predict the effect of missense changes on protein structure and function (PolyPhen-2) suggests that this variant is likely to be disruptive. In summary, the available evidence is currently insufficient to determine the role of this variant in disease. Therefore, it has been classified as a Variant of Uncertain Significance.

ClinVar Staff, National Center for Biotechnology Information (NCBI)
Classification: Uncertain significance for Dilated cardiomyopathy 1KK. Last evaluated: 2013-06-27. Review status: no assertion criteria provided. Collection method: literature only. Allele origin: germline. Affected: yes. Not counted in ClinVar's aggregate classification.

Leiden Muscular Dystrophy (MYPN)
No classification provided. Last evaluated: 2012-04-27. Review status: no classification provided. Collection method: curation. Allele origin: germline. Not counted in ClinVar's aggregate classification.

Literature cited by the submitters: PubMed 22286171 (cited by Labcorp Genetics (formerly Invitae), Labcorp and ClinVar Staff, National Center for Biotechnology Information (NCBI)).

NM_032578.4(MYPN):c.2521C>A (p.Pro841Thr)

Gene: MYPN (myopalladin; plus strand). Cytogenetic location: 10q21.3.
Variant type: single nucleotide variant.
Coding change: c.2521C>A on transcript NM_032578.4 (MANE Select); coding-DNA position 2521, C replaced by A.
Protein change: p.Pro841Thr; replaces proline 841 with threonine.
Molecular consequence: missense variant. On other transcripts: non-coding transcript variant (2).
Genome position (GRCh38, 1-based): chr10:68,174,613, C>A. VCF-style: chr10-68174613-C-A. GRCh37 (hg19) VCF-style: chr10-69934370-C-A.
Other names: c.2521C>A, p.Pro841Thr (NM_001256267.2); c.1639C>A, p.Pro547Thr (NM_001256268.2); c.2521C>A (LRG_410t1); short protein forms P841T, P547T.
Identifiers: ClinVar variation 31817 (VCV000031817.6), dbSNP rs199476410, ClinGen allele CA215332.